The following is an entry in ClinVar:

ClinVar aggregate classification (germline): Uncertain significance (1 of 4 stars; one submission).

Conditions:
Hereditary nonpolyposis colorectal neoplasms. Identifiers: MedGen C0009405, MeSH D003123.

Submission:

Labcorp Genetics (formerly Invitae), Labcorp
Classification: Uncertain significance for Hereditary nonpolyposis colorectal neoplasms. Last evaluated: 2020-02-27. Review status: criteria provided, single submitter. Criteria: Invitae Variant Classification Sherloc (09022015). Collection method: clinical testing. Allele origin: germline.
Comment: Algorithms developed to predict the effect of missense changes on protein structure and function (SIFT, PolyPhen-2, Align-GVGD) all suggest that this variant is likely to be tolerated, but these predictions have not been confirmed by published functional studies and their clinical significance is uncertain. In summary, the available evidence is currently insufficient to determine the role of this variant in disease. Therefore, it has been classified as a Variant of Uncertain Significance. This variant has not been reported in the literature in individuals with MSH6-related conditions. This variant is not present in population databases (ExAC no frequency). This sequence change replaces serine with arginine at codon 648 of the MSH6 protein (p.Ser648Arg). The serine residue is weakly conserved and there is a moderate physicochemical difference between serine and arginine.

NM_000179.3(MSH6):c.1942A>C (p.Ser648Arg)

Gene: MSH6 (mutS homolog 6; plus strand). Cytogenetic location: 2p16.3.
Variant type: single nucleotide variant.
Coding change: c.1942A>C on transcript NM_000179.3 (MANE Select); coding-DNA position 1942, A replaced by C.
Protein change: p.Ser648Arg; replaces serine 648 with arginine.
Molecular consequence: missense variant.
Genome position (GRCh38, 1-based): chr2:47,799,925, A>C. VCF-style: chr2-47799925-A-C. GRCh37 (hg19) VCF-style: chr2-48027064-A-C.
Other names: c.1552A>C, p.Ser518Arg (NM_001281492.2); c.1036A>C, p.Ser346Arg (NM_001281493.2, NM_001281494.2); short protein forms S346R, S518R, S648R.
Identifiers: ClinVar variation 1023786 (VCV001023786.10), dbSNP rs965228819, ClinGen allele CA346750466.